The following is an entry in ClinVar:

ClinVar aggregate classification (germline): Uncertain significance (1 of 4 stars; one submission).

Conditions:
Werner syndrome (WRN). Identifiers: Orphanet 902, MedGen C0043119, MONDO:0010196, OMIM 277700.

Allele frequency attached by ClinVar (database versions not stated): TOPMed below 0.00001; gnomAD 0.00001.
gnomAD v4.1: 1 of 1,613,852 alleles (0.000062%); highest among the groups gnomAD compares: Non-Finnish European, 0.000085%; no homozygotes.

Submission:

Labcorp Genetics (formerly Invitae), Labcorp
Classification: Uncertain significance for Werner syndrome. Last evaluated: 2024-04-05. Review status: criteria provided, single submitter. Criteria: Invitae Variant Classification Sherloc (09022015). Collection method: clinical testing. Allele origin: germline.
Comment: This sequence change replaces glycine, which is neutral and non-polar, with arginine, which is basic and polar, at codon 1026 of the WRN protein (p.Gly1026Arg). This variant is not present in population databases (gnomAD no frequency). This variant has not been reported in the literature in individuals affected with WRN-related conditions. An algorithm developed to predict the effect of missense changes on protein structure and function (PolyPhen-2) suggests that this variant is likely to be disruptive. In summary, the available evidence is currently insufficient to determine the role of this variant in disease. Therefore, it has been classified as a Variant of Uncertain Significance.

NM_000553.6(WRN):c.3076G>A (p.Gly1026Arg)

Gene: WRN (WRN RecQ like helicase; plus strand). Cytogenetic location: 8p12.
Variant type: single nucleotide variant.
Coding change: c.3076G>A on transcript NM_000553.6 (MANE Select); coding-DNA position 3076, G replaced by A.
Protein change: p.Gly1026Arg; replaces glycine 1026 with arginine.
Molecular consequence: missense variant.
Genome position (GRCh38, 1-based): chr8:31,141,538, G>A. VCF-style: chr8-31141538-G-A. GRCh37 (hg19) VCF-style: chr8-30999054-G-A.
Other names: short protein forms G1026R.
Identifiers: ClinVar variation 2916586 (VCV002916586.3), dbSNP rs1383716461, ClinGen allele CA370922228.
Genomic context (GRCh38, chr8:31,141,538, plus strand): 5'-ACTGGCAAGGATCAAACAGAGAGTTGGTGGAAGGCTTTTTCCCGTCAGCTGATCACTGAG[G>A]GATTCTTGGTAGAAGTTTCTCGGTATAACAAATTTATGAAGATTTGCGCCCTTACGAAAA-3'
Protein context (NP_000544.2, residues 1016-1036): KAFSRQLITE[Gly1026Arg]FLVEVSRYNK